The following is an entry in ClinVar:

NM_020988.3(GNAO1):c.470T>C (p.Leu157Pro)

Gene: GNAO1 (G protein subunit alpha o1; plus strand). Cytogenetic location: 16q13.
Variant type: single nucleotide variant.
Coding change: c.470T>C on transcript NM_020988.3 (MANE Select); coding-DNA position 470, T replaced by C.
Protein change: p.Leu157Pro; replaces leucine 157 with proline.
Molecular consequence: missense variant.
Genome position (GRCh38, 1-based): chr16:56,334,734, T>C. VCF-style: chr16-56334734-T-C. GRCh37 (hg19) VCF-style: chr16-56368646-T-C.
Other names: c.470T>C, p.Leu157Pro (NM_138736.3); short protein forms L157P.
Identifiers: ClinVar variation 1012172 (VCV001012172.4), dbSNP rs2143660403, ClinGen allele CA395951382.

ClinVar aggregate classification (germline): Pathogenic/Likely pathogenic. Review status: criteria provided, multiple submitters, no conflicts (2 of 4 stars). 3 submissions from 3 submitters: Pathogenic (1); Likely pathogenic (1). 1 of the submissions does not count toward it. Last evaluated 2026-04-16.

Conditions:
Neurodevelopmental disorder with involuntary movements (NEDIM). Identifiers: Orphanet 592564, MedGen C4479569, MONDO:0060491, OMIM 617493.
Developmental and epileptic encephalopathy, 17 (DEE17). Also called: Early infantile epileptic encephalopathy 17. Identifiers: Orphanet 1934, MedGen C3809606, MONDO:0014199, OMIM 615473.

Submissions (3):

Kasturba Medical College, Manipal, Kasturba Medical College, Manipal, Manipal Academy of Higher Education, Manipal, India
Classification: Likely pathogenic for Developmental and epileptic encephalopathy, 17. Last evaluated: 2026-04-16. Review status: criteria provided, single submitter. Criteria: ACMG Guidelines, 2015. Collection method: research. Allele origin: de novo. Inheritance: Autosomal dominant inheritance. Affected: yes. Observed: 1 variant allele, 1 heterozygote.
Comment: The variant c.470T>C was not reported in gnomAD (V4.1.0) population database and in our in-house data of 4194 exomes. In silico prediction tools (CADD_phred, REVEL) are consistent in predicting the variant to be damaging to the GNAO1 protein function.

Victorian Clinical Genetics Services, Murdoch Childrens Research Institute
Classification: Pathogenic for Developmental and epileptic encephalopathy, 17. Last evaluated: 2023-07-16. Review status: criteria provided, single submitter. Criteria: ACMG Guidelines, 2015. Collection method: clinical testing. Allele origin: germline. Inheritance: Autosomal dominant inheritance. Affected: yes.
Comment: Based on the classification scheme VCGS_Germline_v1.3.4, this variant is classified as Pathogenic. Following criteria are met: 0103 - Both loss- and gain-of-function are known mechanisms of disease for this gene. Loss of function variants are found throughout the protein, and result in developmental and epileptic encephalopathy 17 (MIM#615473). Gain of function variants cluster near amino acid 184 and within the RGS binding domain, causing a neurodevelopmental disorder with involuntary movements (MIM#617493) (PMID: 28747448, OMIM). (I) 0107 - This gene is associated with autosomal dominant disease. (I) 0200 - Variant is predicted to result in a missense amino acid change from leucine to proline. (I) 0251 - This variant is heterozygous. (I) 0301 - Variant is absent from gnomAD (both v2 and v3). (SP) 0501 - Missense variant consistently predicted to be damaging by multiple in silico tools or highly conserved with a major amino acid change. (SP) 0600 - Variant is located in the annotated G-alpha domain (PMID: 34122306). (I) 0705 - No comparable missense variants have previous evidence for pathogenicity. (I) 0801 - This variant has strong previous evidence of pathogenicity in unrelated individuals. This variant has been reported as de novo in at least two individuals, with features including early infantile epileptic encephalopathy with movement disorder, or severe global developmental delay with seizures, strabismus and hypotonia (ClinVar, DECIPHER). (SP) 0905 - No published segregation evidence has been identified for this variant. (I) 1007 - No published functional evidence has been identified for this variant. (I) 1208 - Inheritance information for this variant is not currently available in this individual. (I) Legend: (SP) - Supporting pathogenic, (I) - Information, (SB) - Supporting benign

Pediatric Department, Peking University First Hospital
Classification: Likely pathogenic for Developmental and epileptic encephalopathy, 17; Neurodevelopmental disorder with involuntary movements. Last evaluated: 2021-02-03. Review status: no assertion criteria provided. Collection method: clinical testing. Allele origin: de novo. Affected: yes. Not counted in ClinVar's aggregate classification.

Literature cited by the submitters: PMC PMC8193119 (cited by Kasturba Medical College, Manipal, Kasturba Medical College, Manipal, Manipal Academy of Higher Education, Manipal, India); PubMed 28747448 (cited by Victorian Clinical Genetics Services, Murdoch Childrens Research Institute); PubMed 34122306 (cited by Victorian Clinical Genetics Services, Murdoch Childrens Research Institute).